The following is an entry in ClinVar:

NM_000095.3(COMP):c.1228T>C (p.Cys410Arg)

Gene: COMP (cartilage oligomeric matrix protein; minus strand). Cytogenetic location: 19p13.11.
Variant type: single nucleotide variant.
Coding change: c.1228T>C on transcript NM_000095.3 (MANE Select); coding-DNA position 1228, T replaced by C.
Protein change: p.Cys410Arg; replaces cysteine 410 with arginine.
Molecular consequence: missense variant.
Genome position (GRCh38, 1-based): chr19:18,786,558, A>G on the plus strand (T>C on the coding strand, the complement: COMP is on the minus strand). VCF-style: chr19-18786558-A-G. GRCh37 (hg19) VCF-style: chr19-18897368-A-G.
Other names: short protein forms C410R.
Identifiers: ClinVar variation 1503481 (VCV001503481.6), dbSNP rs2145901302, ClinGen allele CA404886425.

ClinVar aggregate classification (germline): Likely pathogenic (1 of 4 stars; one submission).

Submission:

Labcorp Genetics (formerly Invitae), Labcorp
Classification: Likely pathogenic. Last evaluated: 2023-08-17. Review status: criteria provided, single submitter. Criteria: Invitae Variant Classification Sherloc (09022015). Collection method: clinical testing. Allele origin: germline.
Comment: ClinVar contains an entry for this variant (Variation ID: 1503481). This variant has not been reported in the literature in individuals affected with COMP-related conditions. This variant is not present in population databases (gnomAD no frequency). This sequence change replaces cysteine, which is neutral and slightly polar, with arginine, which is basic and polar, at codon 410 of the COMP protein (p.Cys410Arg). In summary, the currently available evidence indicates that the variant is pathogenic, but additional data are needed to prove that conclusively. Therefore, this variant has been classified as Likely Pathogenic. This variant disrupts the p.Cys410 amino acid residue in COMP. Other variant(s) that disrupt this residue have been determined to be pathogenic (PMID: 17133256, 21922596, 21965141, 24595329; Invitae). This suggests that this residue is clinically significant, and that variants that disrupt this residue are likely to be disease-causing. Advanced modeling of protein sequence and biophysical properties (such as structural, functional, and spatial information, amino acid conservation, physicochemical variation, residue mobility, and thermodynamic stability) performed at Invitae indicates that this missense variant is expected to disrupt COMP protein function.

Literature cited by the submitters: PubMed 17133256; PubMed 21922596; PubMed 21965141; PubMed 24595329.